The following is an entry in ClinVar:

ClinVar aggregate classification (germline): Pathogenic (1 of 4 stars; one submission).

Conditions:
Developmental and epileptic encephalopathy, 53. Also called: Epileptic encephalopathy, early infantile, 53. Identifiers: MedGen C4479313, MONDO:0033362, OMIM 617389.
Early-onset Parkinson disease 20. Also called: PARKINSON DISEASE 20, AUTOSOMAL RECESSIVE EARLY-ONSET. Identifiers: Orphanet 391411, MedGen C3809824, MONDO:0014233, OMIM 615530.

Submission:

Labcorp Genetics (formerly Invitae), Labcorp
Classification: Pathogenic for Developmental and epileptic encephalopathy, 53; Early-onset Parkinson disease 20. Last evaluated: 2026-01-19. Review status: criteria provided, single submitter. Criteria: Invitae Variant Classification Sherloc (09022015). Collection method: clinical testing. Allele origin: germline.
Comment: This sequence change creates a premature translational stop signal (p.Ile1125Tyrfs*2) in the SYNJ1 gene. It is expected to result in an absent or disrupted protein product. Loss-of-function variants in SYNJ1 are known to be pathogenic (PMID: 25316601, 27435091). This variant is not present in population databases (gnomAD no frequency). This variant has not been reported in the literature in individuals affected with SYNJ1-related conditions. For these reasons, this variant has been classified as Pathogenic.

Literature cited by the submitters: PubMed 25316601; PubMed 27435091.

NM_203446.3(SYNJ1):c.3255dup (p.Ile1086fs)

Gene: SYNJ1 (synaptojanin 1; minus strand). Cytogenetic location: 21q22.11.
Variant type: Duplication.
Coding change: c.3255dup on transcript NM_203446.3 (MANE Select); coding-DNA position 3255, one base duplicated (T; older notation c.3255dupT).
Protein change: p.Ile1086fs; shifts the reading frame from isoleucine 1086.
Molecular consequence: frameshift variant.
Genome position (GRCh38, 1-based): chr21:32,645,782, A duplicated on the plus strand (T on the coding strand, the reverse complement: SYNJ1 is on the minus strand). VCF-style (leftmost placement, unchanged base first): chr21-32645781-T-TA. GRCh37 (hg19) VCF-style: chr21-34018091-T-TA.
Other names: c.3255dup, p.Ile1086fs (NM_001160302.2); c.3240dup, p.Ile1081fs (NM_001160306.2); c.3372dup, p.Ile1125fs (NM_003895.4); short protein forms I1081fs, I1086fs, I1125fs.
Identifiers: ClinVar variation 4787167 (VCV004787167.1).